The following is an entry in ClinVar:

ClinVar aggregate classification (germline): Pathogenic (1 of 4 stars; one submission).

Conditions:
Heimler syndrome 2 (HMLR2). Also called: PEROXISOME BIOGENESIS DISORDER 4C. Identifiers: Orphanet 3220, MedGen C4225267, OMIM 616617, MONDO:0014709.

Allele frequency attached by ClinVar (database versions not stated): gnomAD exomes below 0.00001.
gnomAD v4.1: 1 of 1,490,138 alleles (0.000067%); highest among the groups gnomAD compares: Non-Finnish European, 0.000089%; no homozygotes.

Submission:

Leeds Amelogenesis Imperfecta Research Group, University of Leeds
Classification: Pathogenic for Heimler syndrome 2. Last evaluated: 2015-10-01. Review status: criteria provided, single submitter. Criteria: Submitter's publication. Collection method: research. Allele origin: germline. Affected: yes.
Comment: Newly identified

NM_000287.4(PEX6):c.275T>G (p.Val92Gly)

Gene: PEX6 (peroxisomal biogenesis factor 6; minus strand). Cytogenetic location: 6p21.1.
Variant type: single nucleotide variant.
Coding change: c.275T>G on transcript NM_000287.4 (MANE Select); coding-DNA position 275, T replaced by G.
Protein change: p.Val92Gly; replaces valine 92 with glycine.
Molecular consequence: missense variant. On other transcripts: non-coding transcript variant (1).
Genome position (GRCh38, 1-based): chr6:42,978,876, A>C on the plus strand (T>G on the coding strand, the complement: PEX6 is on the minus strand). VCF-style: chr6-42978876-A-C. GRCh37 (hg19) VCF-style: chr6-42946614-A-C.
Other names: c.275T>G, p.Val92Gly (NM_001316313.2); short protein forms V92G.
Identifiers: ClinVar variation 224319 (VCV000224319.2), dbSNP rs886037780, ClinGen allele CA10575900.
Genomic context (GRCh38, chr6:42,978,876, plus strand): 5'-AGCGAGGTGCCAAGCAGTGCCCAACCTAGCGCCGGGGGCCGCCGCACCGCCCGCGCCCGC[A>C]CCCAGGCCCCGGAGCCCAGTGCCAGGAGCCGCAGCAGCGCGCGGCTAACCAGTAGCTGCG-3'
Protein context (NP_000278.3, residues 82-102): RLLALGSGAW[Val92Gly]RARAVRRPPA